The following is an entry in ClinVar:

NM_002202.3(ISL1):c.69G>A (p.Gln23=)

Gene: ISL1 (ISL LIM homeobox 1; plus strand). Cytogenetic location: 5q11.1.
Variant type: single nucleotide variant.
Coding change: c.69G>A on transcript NM_002202.3 (MANE Select); coding-DNA position 69, G replaced by A.
Protein change: p.Gln23=; no amino-acid change (glutamine 23 retained).
Molecular consequence: synonymous variant.
Genome position (GRCh38, 1-based): chr5:51,384,581, G>A. VCF-style: chr5-51384581-G-A. GRCh37 (hg19) VCF-style: chr5-50680415-G-A.
Identifiers: ClinVar variation 3358427 (VCV003358427.1).

ClinVar aggregate classification (germline): Likely benign (0 of 4 stars; one submission).

Conditions:
ISL1-related disorder. Also called: ISL1-related condition.

Submission:

PreventionGenetics, part of Exact Sciences
Classification: Likely benign for ISL1-related condition. Last evaluated: 2024-06-14. Review status: no assertion criteria provided. Collection method: clinical testing. Allele origin: germline.
Comment: This variant is classified as likely benign based on ACMG/AMP sequence variant interpretation guidelines (Richards et al. 2015 PMID: 25741868, with internal and published modifications).